The following is an entry in ClinVar:

NM_005996.4(TBX3):c.-872_-871insT

Genes: TBX3 (T-box transcription factor 3; minus strand), TBX3-AS1 (TBX3 antisense RNA 1; plus strand). Cytogenetic location: 12q24.21.
Variant type: Insertion.
Coding change: c.-872_-871insT on transcript NM_005996.4 (MANE Select); 872 bases upstream of the start codon through 871 bases upstream of the start codon, T inserted.
Molecular consequence: 5 prime UTR variant.
Genome position: GRCh38 VCF-style: chr12-114684071-G-GA. GRCh37 (hg19) VCF-style: chr12-115121876-G-GA.
Other names: c.-872_-871insT (NM_016569.4).
Identifiers: ClinVar variation 3355217 (VCV003355217.1).
Genomic context (GRCh38, chr12:114,684,071, plus strand): 5'-CGCGCAGGGCAGGGAGGATTTAGAGGGGGAAAAAATGGAACAGAGGGAAAGAGAGGGAGG[G>GA]GAGAGAGAGAGAGAGAGAGAGAGACGGAGTCGGAGAGGGAGGGAGCGAGAGAAAGCGAGA-3'

ClinVar aggregate classification (germline): Likely benign (0 of 4 stars; one submission).

Conditions:
TBX3-related disorder. Also called: TBX3-related condition.

Submission:

PreventionGenetics, part of Exact Sciences
Classification: Likely benign for TBX3-related condition. Last evaluated: 2023-11-13. Review status: no assertion criteria provided. Collection method: clinical testing. Allele origin: germline.
Comment: This variant is classified as likely benign based on ACMG/AMP sequence variant interpretation guidelines (Richards et al. 2015 PMID: 25741868, with internal and published modifications).